The following is an entry in ClinVar:

ClinVar aggregate classification (germline): Benign/Likely benign. Review status: criteria provided, multiple submitters, no conflicts (2 of 4 stars). 6 submissions from 6 submitters: Benign (1); Likely benign (4). 1 of the submissions does not count toward it. Last evaluated 2025-04-28.

Conditions:
TEK-related disorder. Also called: TEK-related condition.
Multiple cutaneous and mucosal venous malformations (VMCM). Also called: TEK-Related Multiple Cutaneous and Mucosal Venous Malformations (VMCM). Identifiers: Orphanet 2451, MedGen C1838437, MONDO:0010842, OMIM 600195.

Allele frequency attached by ClinVar (database versions not stated): 1000 Genomes Project 30x 0.00047; 1000 Genomes Project 0.00060; ExAC 0.00077; TOPMed 0.00077; gnomAD exomes 0.00079 and 0.00132; gnomAD 0.00091 and 0.00093; ESP Exome Variant Server 0.00092.
gnomAD v4.1: 2,072 of 1,613,834 alleles (0.13%); highest among the groups gnomAD compares: Middle Eastern, 0.3%; 8 homozygotes.

Submissions (6):

Labcorp Genetics (formerly Invitae), Labcorp
Classification: Likely benign. Last evaluated: 2025-04-28. Review status: criteria provided, single submitter. Criteria: Invitae Variant Classification Sherloc (09022015). Collection method: clinical testing. Allele origin: germline.

Blueprint Genetics
Classification: Likely benign. Last evaluated: 2024-11-18. Review status: criteria provided, single submitter. Criteria: ACMG Guidelines, 2015. Collection method: clinical testing. Allele origin: germline.

ARUP Laboratories, Molecular Genetics and Genomics, ARUP Laboratories
Classification: Likely benign. Last evaluated: 2019-06-11. Review status: criteria provided, single submitter. Criteria: ARUP Molecular Germline Variant Investigation Process. Collection method: clinical testing. Allele origin: germline.

Illumina Laboratory Services, Illumina
Classification: Benign for Multiple cutaneous and mucosal venous malformations. Last evaluated: 2018-01-13. Review status: criteria provided, single submitter. Criteria: ICSL Variant Classification Criteria 13 December 2019. Collection method: clinical testing. Allele origin: germline.
Comment: This variant was observed in the ICSL laboratory as part of a predisposition screen in an ostensibly healthy population. It had not been previously curated by ICSL or reported in the Human Gene Mutation Database (HGMD: prior to June 1st, 2018), and was therefore a candidate for classification through an automated scoring system. Utilizing variant allele frequency, disease prevalence and penetrance estimates, and inheritance mode, an automated score was calculated to assess if this variant is too frequent to cause the disease. Based on the score and internal cut-off values, a variant classified as benign is not then subjected to further curation. The score for this variant resulted in a classification of benign for this disease.

Breakthrough Genomics
Classification: Likely benign. Review status: criteria provided, single submitter. Criteria: ACMG Guidelines, 2015. Collection method: not provided. Allele origin: germline. Inheritance: Autosomal dominant inheritance. Affected: yes.

PreventionGenetics, part of Exact Sciences
Classification: Likely benign for TEK-related condition. Last evaluated: 2022-02-09. Review status: no assertion criteria provided. Collection method: clinical testing. Allele origin: germline. Not counted in ClinVar's aggregate classification.
Comment: This variant is classified as likely benign based on ACMG/AMP sequence variant interpretation guidelines (Richards et al. 2015 PMID: 25741868, with internal and published modifications).

NM_000459.5(TEK):c.1900C>T (p.Leu634Phe)

Gene: TEK (TEK receptor tyrosine kinase; plus strand). Cytogenetic location: 9p21.2.
Variant type: single nucleotide variant.
Coding change: c.1900C>T on transcript NM_000459.5 (MANE Select); coding-DNA position 1900, C replaced by T.
Protein change: p.Leu634Phe; replaces leucine 634 with phenylalanine.
Molecular consequence: missense variant.
Genome position (GRCh38, 1-based): chr9:27,197,590, C>T. VCF-style: chr9-27197590-C-T. GRCh37 (hg19) VCF-style: chr9-27197588-C-T.
Other names: c.1771C>T, p.Leu591Phe (NM_001290077.2, NM_001375476.1); c.1459C>T, p.Leu487Phe (NM_001290078.2); c.1900C>T, p.Leu634Phe (NM_001375475.1); c.1900C>T (NM_000459.4); short protein forms L634F, L487F, L591F.
Identifiers: ClinVar variation 366433 (VCV000366433.20), dbSNP rs35378598, ClinGen allele CA5016345.
Genomic context (GRCh38, chr9:27,197,590, plus strand): 5'-CGAGCTAGAGTCAACACCAAGGCCCAGGGGGAATGGAGTGAAGATCTCACTGCTTGGACC[C>T]TTAGTGACAGTAAGTAATTCATGCTGCTCCAGCCTCATCTGAGCAATAAGGGGCTACCGC-3'
Protein context (NP_000450.3, residues 624-644): EWSEDLTAWT[Leu634Phe]SDILPPQPEN